The following is an entry in ClinVar:

NM_013322.3(SNX10):c.24+1G>A

Gene: SNX10 (sorting nexin 10; plus strand). Cytogenetic location: 7p15.2.
Variant type: single nucleotide variant.
Coding change: c.24+1G>A on transcript NM_013322.3 (MANE Select); the canonical splice donor site of the intron after coding-DNA position 24, G replaced by A.
Molecular consequence: splice donor variant.
Genome position (GRCh38, 1-based): chr7:26,346,467, G>A. VCF-style: chr7-26346467-G-A. GRCh37 (hg19) VCF-style: chr7-26386087-G-A.
Other names: c.-20+1G>A (NM_001362754.1, NM_001318198.1); c.-148+1G>A (NM_001362753.1); c.24+1G>A (NM_001199835.1, NM_001318199.3).
Identifiers: ClinVar variation 1349342 (VCV001349342.9), dbSNP rs776348160, ClinGen allele CA4195134.

ClinVar aggregate classification (germline): Likely pathogenic (1 of 4 stars; one submission).

Allele frequency attached by ClinVar (database versions not stated): gnomAD exomes below 0.00001; ExAC 0.00001; gnomAD 0.00001.
gnomAD v4.1: 3 of 1,604,048 alleles (0.00019%); highest among the groups gnomAD compares: East Asian, 0.0022%; no homozygotes.

Submissions (2):

Labcorp Genetics (formerly Invitae), Labcorp
Classification: Likely pathogenic. Last evaluated: 2022-12-06. Review status: criteria provided, single submitter. Criteria: Invitae Variant Classification Sherloc (09022015). Collection method: clinical testing. Allele origin: germline.
Comment: This sequence change affects a donor splice site in intron 2 of the SNX10 gene. It is expected to disrupt RNA splicing. Variants that disrupt the donor or acceptor splice site typically lead to a loss of protein function (PMID: 16199547), and loss-of-function variants in SNX10 are known to be pathogenic (PMID: 23123320, 23280965, 25811986). This variant is present in population databases (rs776348160, gnomAD 0.006%). This variant has not been reported in the literature in individuals affected with SNX10-related conditions. ClinVar contains an entry for this variant (Variation ID: 1349342). Algorithms developed to predict the effect of sequence changes on RNA splicing suggest that this variant may disrupt the consensus splice site. In summary, the currently available evidence indicates that the variant is pathogenic, but additional data are needed to prove that conclusively. Therefore, this variant has been classified as Likely Pathogenic.

Dr. Peter K. Rogan Lab, Western University
No classification provided (evidence only). Condition: Gastric cancer. Review status: no classification provided. Collection method: in vitro. Allele origin: not applicable. Functional consequence: retained intron. Not counted in ClinVar's aggregate classification.

Literature cited by the submitters: PubMed 16199547 (cited by Labcorp Genetics (formerly Invitae), Labcorp); PubMed 23123320 (cited by Labcorp Genetics (formerly Invitae), Labcorp); PubMed 23280965 (cited by Labcorp Genetics (formerly Invitae), Labcorp); PubMed 25811986 (cited by Labcorp Genetics (formerly Invitae), Labcorp).